The following is an entry in ClinVar:

NM_003247.5(THBS2):c.354C>T (p.Asn118=)

Gene: THBS2 (thrombospondin 2; minus strand). Cytogenetic location: 6q27.
Variant type: single nucleotide variant.
Coding change: c.354C>T on transcript NM_003247.5 (MANE Select); coding-DNA position 354, C replaced by T.
Protein change: p.Asn118=; no amino-acid change (asparagine 118 retained).
Molecular consequence: synonymous variant. On other transcripts: non-coding transcript variant (2).
Genome position (GRCh38, 1-based): chr6:169,248,672, G>A on the plus strand (C>T on the coding strand, the complement: THBS2 is on the minus strand). VCF-style: chr6-169248672-G-A. GRCh37 (hg19) VCF-style: chr6-169648767-G-A.
Other names: c.354C>T, p.Asn118= (NM_001381939.1, NM_001381940.1, NM_001381941.1); c.123C>T, p.Asn41= (NM_001381942.1).
Identifiers: ClinVar variation 3060578 (VCV003060578.2), dbSNP rs12178180, ClinGen allele CA4103683.

ClinVar aggregate classification (germline): Benign (0 of 4 stars; one submission).

Conditions:
THBS2-related disorder. Also called: THBS2-related condition.

Allele frequency attached by ClinVar (database versions not stated): 1000 Genomes Project 30x 0.14272; 1000 Genomes Project 0.14497; TOPMed 0.19218; gnomAD 0.20104; ExAC 0.21206; ESP Exome Variant Server 0.21659; gnomAD exomes 0.24286.
gnomAD v4.1: 384,893 of 1,613,820 alleles (24%); highest among the groups gnomAD compares: Middle Eastern, 31%; 48,869 homozygotes.

Submission:

PreventionGenetics, part of Exact Sciences
Classification: Benign for THBS2-related condition. Last evaluated: 2019-11-08. Review status: no assertion criteria provided. Collection method: clinical testing. Allele origin: germline.
Comment: This variant is classified as benign based on ACMG/AMP sequence variant interpretation guidelines (Richards et al. 2015 PMID: 25741868, with internal and published modifications).